The following is an entry in ClinVar:

ClinVar aggregate classification (germline): Benign/Likely benign. Review status: criteria provided, multiple submitters, no conflicts (2 of 4 stars). 6 submissions from 6 submitters: Benign (3); Likely benign (2). 1 of the submissions does not count toward it. Last evaluated 2026-02-01.

Conditions:
Primary ciliary dyskinesia 3. Identifiers: Orphanet 244, MedGen C1837618, MONDO:0012085, OMIM 608644.
Primary ciliary dyskinesia. Also called: Ciliary dyskinesia. Identifiers: Orphanet 244, MedGen C0008780, MONDO:0016575, HP:0012265.

Allele frequency attached by ClinVar (database versions not stated): ExAC 0.00154; ESP Exome Variant Server 0.00484; gnomAD 0.00496 and 0.00527; TOPMed 0.00567; 1000 Genomes Project 30x 0.00593; 1000 Genomes Project 0.00659.
gnomAD v4.1: 1,418 of 1,613,728 alleles (0.088%); highest among the groups gnomAD compares: African/African-American, 1.7%; 18 homozygotes.

Submissions (6):

Labcorp Genetics (formerly Invitae), Labcorp
Classification: Benign for Primary ciliary dyskinesia. Last evaluated: 2026-02-01. Review status: criteria provided, single submitter. Criteria: Invitae Variant Classification Sherloc (09022015). Collection method: clinical testing. Allele origin: germline.

Blueprint Genetics
Classification: Likely benign. Last evaluated: 2024-10-22. Review status: criteria provided, single submitter. Criteria: ACMG Guidelines, 2015. Collection method: clinical testing. Allele origin: germline.

Illumina Laboratory Services, Illumina
Classification: Likely benign for Primary ciliary dyskinesia 3. Last evaluated: 2018-01-13. Review status: criteria provided, single submitter. Criteria: ICSL Variant Classification Criteria 13 December 2019. Collection method: clinical testing. Allele origin: germline.
Comment: This variant was observed in the ICSL laboratory as part of a predisposition screen in an ostensibly healthy population. It had not been previously curated by ICSL or reported in the Human Gene Mutation Database (HGMD: prior to June 1st, 2018), and was therefore a candidate for classification through an automated scoring system. Utilizing variant allele frequency, disease prevalence and penetrance estimates, and inheritance mode, an automated score was calculated to assess if this variant is too frequent to cause the disease. Based on the score and internal cut-off values, a variant classified as likely benign is not then subjected to further curation. The score for this variant resulted in a classification of likely benign for this disease.

Ambry Genetics
Classification: Benign for Primary ciliary dyskinesia. Last evaluated: 2016-04-15. Review status: criteria provided, single submitter. Criteria: Ambry Variant Classification Scheme 2023. Collection method: clinical testing. Allele origin: germline.

PreventionGenetics, part of Exact Sciences
Classification: Benign. Review status: criteria provided, single submitter. Criteria: ACMG Guidelines, 2015. Collection method: clinical testing. Allele origin: germline.

Natera, Inc.
Classification: Benign for Primary ciliary dyskinesia. Last evaluated: 2020-09-16. Review status: no assertion criteria provided. Collection method: clinical testing. Allele origin: germline. Not counted in ClinVar's aggregate classification.

NM_001369.3(DNAH5):c.9150C>T (p.Ser3050=)

Gene: DNAH5 (dynein axonemal heavy chain 5; minus strand). Cytogenetic location: 5p15.2.
Variant type: single nucleotide variant.
Coding change: c.9150C>T on transcript NM_001369.3 (MANE Select); coding-DNA position 9150, C replaced by T.
Protein change: p.Ser3050=; no amino-acid change (serine 3050 retained).
Molecular consequence: synonymous variant.
Genome position (GRCh38, 1-based): chr5:13,776,662, G>A on the plus strand (C>T on the coding strand, the complement: DNAH5 is on the minus strand). VCF-style: chr5-13776662-G-A. GRCh37 (hg19) VCF-style: chr5-13776771-G-A.
Identifiers: ClinVar variation 258066 (VCV000258066.21), dbSNP rs77477793, ClinGen allele CA3202601.
Genomic context (GRCh38, chr5:13,776,662, plus strand): 5'-CAGGTTCTCATTGGTAGGAAGGCACCTGGGGAATTCTTTTTTCATGACTGATGCCAGGTC[G>A]CTATTAATTTCATCAATTTCATCTCGAGCAAATAGGTTAGAGACCTTAAAAAGAAGTACA-3'
Protein context (NP_001360.1, residues 3040-3060): FARDEIDEIN[Ser3050=]DLASVMKKEF